The following is an entry in ClinVar:

NM_001100913.3(PACS2):c.1741G>A (p.Asp581Asn)

Gene: PACS2 (phosphofurin acidic cluster sorting protein 2; plus strand). Cytogenetic location: 14q32.33.
Variant type: single nucleotide variant.
Coding change: c.1741G>A on transcript NM_001100913.3 (MANE Select); coding-DNA position 1741, G replaced by A.
Protein change: p.Asp581Asn; replaces aspartic acid 581 with asparagine.
Molecular consequence: missense variant.
Genome position (GRCh38, 1-based): chr14:105,383,474, G>A. VCF-style: chr14-105383474-G-A. GRCh37 (hg19) VCF-style: chr14-105849811-G-A.
Other names: c.1504G>A, p.Asp502Asn (NM_001243127.3); c.1729G>A, p.Asp577Asn (NM_015197.4); c.1741G>A (NM_001100913.2); short protein forms D502N, D577N, D581N.
Identifiers: ClinVar variation 1094828 (VCV001094828.26), dbSNP rs74466343, ClinGen allele CA7388971.

ClinVar aggregate classification (germline): Likely benign. Review status: criteria provided, multiple submitters, no conflicts (2 of 4 stars). 4 submissions from 4 submitters: Likely benign (3). 1 of the submissions does not count toward it. Last evaluated 2026-01-12.

Conditions:
PACS2-related disorder. Also called: PACS2-related condition.
Inborn genetic diseases. Identifiers: MedGen C0950123, MeSH D030342.

Allele frequency attached by ClinVar (database versions not stated): gnomAD exomes 0.00014; ExAC 0.00016; ESP Exome Variant Server 0.00038; gnomAD 0.00053 and 0.00055; TOPMed 0.00056; 1000 Genomes Project 0.00060; 1000 Genomes Project 30x 0.00062.
gnomAD v4.1: 171 of 1,606,808 alleles (0.011%); highest among the groups gnomAD compares: African/African-American, 0.18%; no homozygotes.

Submissions (4):

Labcorp Genetics (formerly Invitae), Labcorp
Classification: Likely benign. Last evaluated: 2026-01-12. Review status: criteria provided, single submitter. Criteria: Invitae Variant Classification Sherloc (09022015). Collection method: clinical testing. Allele origin: germline.

CeGaT Center for Human Genetics Tuebingen
Classification: Likely benign. Last evaluated: 2024-10-01. Review status: criteria provided, single submitter. Criteria: CeGaT Center For Human Genetics Tuebingen Variant Classification Criteria Version 2. Collection method: clinical testing. Allele origin: germline. Affected: yes. Observed: 1 variant allele.
Comment: PACS2: BS1

Ambry Genetics
Classification: Likely benign for Inborn genetic diseases. Last evaluated: 2021-10-14. Review status: criteria provided, single submitter. Criteria: Ambry Variant Classification Scheme 2023. Collection method: clinical testing. Allele origin: germline.

PreventionGenetics, part of Exact Sciences
Classification: Likely benign for PACS2-related condition. Last evaluated: 2021-12-02. Review status: no assertion criteria provided. Collection method: clinical testing. Allele origin: germline. Not counted in ClinVar's aggregate classification.
Comment: This variant is classified as likely benign based on ACMG/AMP sequence variant interpretation guidelines (Richards et al. 2015 PMID: 25741868, with internal and published modifications).